The following is an entry in ClinVar:

ClinVar aggregate classification (germline): Uncertain significance (1 of 4 stars; one submission).

Allele frequency attached by ClinVar (database versions not stated): gnomAD exomes below 0.00001; gnomAD 0.00001 and 0.00002; TOPMed 0.00001.

Submission:

Labcorp Genetics (formerly Invitae), Labcorp
Classification: Uncertain significance. Last evaluated: 2022-09-07. Review status: criteria provided, single submitter. Criteria: Invitae Variant Classification Sherloc (09022015). Collection method: clinical testing. Allele origin: germline.
Comment: Algorithms developed to predict the effect of missense changes on protein structure and function are either unavailable or do not agree on the potential impact of this missense change (SIFT: "Not Available"; PolyPhen-2: "Probably Damaging"; Align-GVGD: "Not Available"). In summary, the available evidence is currently insufficient to determine the role of this variant in disease. Therefore, it has been classified as a Variant of Uncertain Significance. ClinVar contains an entry for this variant (Variation ID: 1046792). This variant has not been reported in the literature in individuals affected with CEP250-related conditions. The frequency data for this variant in the population databases is considered unreliable, as metrics indicate poor data quality at this position in the gnomAD database. This sequence change replaces aspartic acid, which is acidic and polar, with valine, which is neutral and non-polar, at codon 501 of the CEP250 protein (p.Asp501Val).

NM_007186.6(CEP250):c.1502A>T (p.Asp501Val)

Genes: CEP250 (centrosomal protein 250; plus strand), CEP250-AS1 (CEP250 antisense RNA 1; minus strand). Cytogenetic location: 20q11.22.
Variant type: single nucleotide variant.
Coding change: c.1502A>T on transcript NM_007186.6 (MANE Select); coding-DNA position 1502, A replaced by T.
Protein change: p.Asp501Val; replaces aspartic acid 501 with valine.
Molecular consequence: missense variant. On other transcripts: 5 prime UTR variant (1).
Genome position (GRCh38, 1-based): chr20:35,473,983, A>T. VCF-style: chr20-35473983-A-T. GRCh37 (hg19) VCF-style: chr20-34061808-A-T.
Other names: c.-398A>T (NM_001318219.1); short protein forms D501V.
Identifiers: ClinVar variation 1046792 (VCV001046792.11), dbSNP rs1170253093, ClinGen allele CA408762933.
Genomic context (GRCh38, chr20:35,473,983, plus strand): 5'-TGCTAGAGCAGGAGGCATGGCGCCTGCGAAGGGTAAATGTGGAGCTTCAGCTGCAGGGGG[A>T]CTCTGCCCAGGGCCAGAAGGAGGAACAGCAGGAGGAGCTGCACCTGGCTGTCCGGGAGAG-3'
Protein context (NP_009117.2, residues 491-511): RVNVELQLQG[Asp501Val]SAQGQKEEQQ